The following is an entry in ClinVar:

NM_001012301.4(ARSI):c.460C>T (p.Arg154Trp)

Gene: ARSI (arylsulfatase family member I; minus strand). Cytogenetic location: 5q32.
Variant type: single nucleotide variant.
Coding change: c.460C>T on transcript NM_001012301.4 (MANE Select); coding-DNA position 460, C replaced by T.
Protein change: p.Arg154Trp; replaces arginine 154 with tryptophan.
Molecular consequence: missense variant.
Genome position (GRCh38, 1-based): chr5:150,298,464, G>A on the plus strand (C>T on the coding strand, the complement: ARSI is on the minus strand). VCF-style: chr5-150298464-G-A. GRCh37 (hg19) VCF-style: chr5-149678027-G-A.
Other names: short protein forms R154W.
Identifiers: ClinVar variation 945959 (VCV000945959.10), dbSNP rs768276620, ClinGen allele CA3510334.

ClinVar aggregate classification (germline): Uncertain significance. Review status: criteria provided, multiple submitters, no conflicts (2 of 4 stars). 2 submissions from 2 submitters: Uncertain significance (2). Last evaluated 2024-09-03.

Conditions:
Spastic paraplegia. Identifiers: MedGen C0037772, HP:0001258.

Allele frequency attached by ClinVar (database versions not stated): ExAC 0.00003; gnomAD 0.00003 and 0.00004; TOPMed 0.00003; gnomAD exomes 0.00004.

Submissions (2):

Ambry Genetics
Classification: Uncertain significance. Last evaluated: 2024-09-03. Review status: criteria provided, single submitter. Criteria: Ambry Variant Classification Scheme 2023. Collection method: clinical testing. Allele origin: germline.

Labcorp Genetics (formerly Invitae), Labcorp
Classification: Uncertain significance for Spastic paraplegia. Last evaluated: 2022-11-15. Review status: criteria provided, single submitter. Criteria: Invitae Variant Classification Sherloc (09022015). Collection method: clinical testing. Allele origin: germline.
Comment: In summary, the available evidence is currently insufficient to determine the role of this variant in disease. Therefore, it has been classified as a Variant of Uncertain Significance. Algorithms developed to predict the effect of missense changes on protein structure and function are either unavailable or do not agree on the potential impact of this missense change (SIFT: "Deleterious"; PolyPhen-2: "Probably Damaging"; Align-GVGD: "Class C15"). ClinVar contains an entry for this variant (Variation ID: 945959). This variant has not been reported in the literature in individuals affected with ARSI-related conditions. This variant is present in population databases (rs768276620, gnomAD 0.01%). This sequence change replaces arginine, which is basic and polar, with tryptophan, which is neutral and slightly polar, at codon 154 of the ARSI protein (p.Arg154Trp).